The following is an entry in ClinVar:

NM_006914.4(RORB):c.568C>T (p.Pro190Ser)

Gene: RORB (RAR related orphan receptor B; plus strand). Cytogenetic location: 9q21.13.
Variant type: single nucleotide variant.
Coding change: c.568C>T on transcript NM_006914.4 (MANE Select); coding-DNA position 568, C replaced by T.
Protein change: p.Pro190Ser; replaces proline 190 with serine.
Molecular consequence: missense variant.
Genome position (GRCh38, 1-based): chr9:74,642,746, C>T. VCF-style: chr9-74642746-C-T. GRCh37 (hg19) VCF-style: chr9-77257662-C-T.
Other names: c.601C>T, p.Pro201Ser (NM_001365023.1); short protein forms P201S, P190S.
Identifiers: ClinVar variation 1404012 (VCV001404012.6), dbSNP rs748084152, ClinGen allele CA5083395.

ClinVar aggregate classification (germline): Uncertain significance (1 of 4 stars; one submission).

Allele frequency attached by ClinVar (database versions not stated): gnomAD exomes below 0.00001 and 0.00004; gnomAD 0.00001; TOPMed 0.00002; ExAC 0.00005.
gnomAD v4.1: 8 of 1,613,906 alleles (0.0005%); highest among the groups gnomAD compares: East Asian, 0.016%; no homozygotes.

Submission:

Labcorp Genetics (formerly Invitae), Labcorp
Classification: Uncertain significance. Last evaluated: 2023-10-13. Review status: criteria provided, single submitter. Criteria: Invitae Variant Classification Sherloc (09022015). Collection method: clinical testing. Allele origin: germline.
Comment: This sequence change replaces proline, which is neutral and non-polar, with serine, which is neutral and polar, at codon 190 of the RORB protein (p.Pro190Ser). This variant is present in population databases (rs748084152, gnomAD 0.07%). This variant has not been reported in the literature in individuals affected with RORB-related conditions. ClinVar contains an entry for this variant (Variation ID: 1404012). Algorithms developed to predict the effect of missense changes on protein structure and function output the following: SIFT: "Not Available"; PolyPhen-2: "Benign"; Align-GVGD: "Not Available". The serine amino acid residue is found in multiple mammalian species, which suggests that this missense change does not adversely affect protein function. In summary, the available evidence is currently insufficient to determine the role of this variant in disease. Therefore, it has been classified as a Variant of Uncertain Significance.